The following is an entry in ClinVar:

ClinVar aggregate classification (germline): Conflicting classifications of pathogenicity. Review status: criteria provided, conflicting classifications (1 of 4 stars). 4 submissions from 4 submitters: Uncertain significance (2); Benign (1). 1 of the submissions does not count toward it. Last evaluated 2025-09-08.

Conditions:
PARN-related disorder. Also called: PARN-related disorders; PARN-related condition.
Inborn genetic diseases. Identifiers: MedGen C0950123, MeSH D030342.
Dyskeratosis congenita, autosomal recessive 6 (DKCB6). Identifiers: MedGen C4225356, MONDO:0014600, OMIM 616353.
Pulmonary fibrosis and/or bone marrow failure, Telomere-related, 4. Also called: PULMONARY FIBROSIS AND/OR BONE MARROW FAILURE SYNDROME, TELOMERE-RELATED, 4. Identifiers: Orphanet 2032, MedGen C4225347, MONDO:0014612, OMIM 616371.

Allele frequency attached by ClinVar (database versions not stated): gnomAD exomes 0.00003 and 0.00010; ExAC 0.00012; TOPMed 0.00037; gnomAD 0.00041 and 0.00046; ESP Exome Variant Server 0.00051.
gnomAD v4.1: 104 of 1,613,060 alleles (0.0064%); highest among the groups gnomAD compares: African/African-American, 0.13%; no homozygotes.

Submissions (4):

Labcorp Genetics (formerly Invitae), Labcorp
Classification: Benign for Dyskeratosis congenita, autosomal recessive 6; Pulmonary fibrosis and/or bone marrow failure, Telomere-related, 4. Last evaluated: 2025-09-08. Review status: criteria provided, single submitter. Criteria: Invitae Variant Classification Sherloc (09022015). Collection method: clinical testing. Allele origin: germline.

Ambry Genetics
Classification: Uncertain significance for Inborn genetic diseases. Last evaluated: 2024-08-10. Review status: criteria provided, single submitter. Criteria: Ambry Variant Classification Scheme 2023. Collection method: clinical testing. Allele origin: germline.

GeneDx
Classification: Uncertain significance. Last evaluated: 2019-12-12. Review status: criteria provided, single submitter. Criteria: GeneDx Variant Classification Process June 2021. Collection method: clinical testing. Allele origin: germline. Affected: yes.
Comment: In silico analysis, which includes protein predictors and evolutionary conservation, supports that this variant does not alter protein structure/function; Has not been previously published as pathogenic or benign to our knowledge

PreventionGenetics, part of Exact Sciences
Classification: Likely benign for PARN-related condition. Last evaluated: 2023-09-12. Review status: no assertion criteria provided. Collection method: clinical testing. Allele origin: germline. Not counted in ClinVar's aggregate classification.
Comment: This variant is classified as likely benign based on ACMG/AMP sequence variant interpretation guidelines (Richards et al. 2015 PMID: 25741868, with internal and published modifications).

NM_002582.4(PARN):c.1843A>G (p.Lys615Glu)

Gene: PARN (poly(A)-specific ribonuclease; minus strand). Cytogenetic location: 16p13.12.
Variant type: single nucleotide variant.
Coding change: c.1843A>G on transcript NM_002582.4 (MANE Select); coding-DNA position 1843, A replaced by G.
Protein change: p.Lys615Glu; replaces lysine 615 with glutamic acid.
Molecular consequence: missense variant.
Genome position (GRCh38, 1-based): chr16:14,446,909, T>C on the plus strand (A>G on the coding strand, the complement: PARN is on the minus strand). VCF-style: chr16-14446909-T-C. GRCh37 (hg19) VCF-style: chr16-14540766-T-C.
Other names: c.1660A>G, p.Lys554Glu (NM_001134477.3); c.1705A>G, p.Lys569Glu (NM_001242992.2); c.1843A>G, p.Lys615Glu (LRG_1286t1); short protein forms K615E, K554E, K569E.
Identifiers: ClinVar variation 542670 (VCV000542670.13), dbSNP rs368440052, ClinGen allele CA7911921.